The following is an entry in ClinVar:

NM_001242896.3(DEPDC5):c.1439C>T (p.Thr480Ile)

Gene: DEPDC5 (DEP domain containing 5, GATOR1 subcomplex subunit; plus strand). Cytogenetic location: 22q12.3.
Variant type: single nucleotide variant.
Coding change: c.1439C>T on transcript NM_001242896.3 (MANE Select); coding-DNA position 1439, C replaced by T.
Protein change: p.Thr480Ile; replaces threonine 480 with isoleucine.
Molecular consequence: missense variant. On other transcripts: non-coding transcript variant (5).
Genome position (GRCh38, 1-based): chr22:31,810,635, C>T. VCF-style: chr22-31810635-C-T. GRCh37 (hg19) VCF-style: chr22-32206621-C-T.
Other names: c.1439C>T, p.Thr480Ile (NM_001363852.2, NM_001363854.2, NM_001364318.2 and 7 more transcripts); c.1355C>T, p.Thr452Ile (NM_001369901.1, NM_001369902.1); short protein forms T452I, T480I.
Identifiers: ClinVar variation 2765320 (VCV002765320.5), dbSNP rs2519103818, ClinGen allele CA411277075.

ClinVar aggregate classification (germline): Uncertain significance. Review status: criteria provided, multiple submitters, no conflicts (2 of 4 stars). 2 submissions from 2 submitters: Uncertain significance (2). Last evaluated 2025-01-14.

Conditions:
Familial focal epilepsy with variable foci (FPEVF). Identifiers: Orphanet 98820, MedGen C1858477, MONDO:0020310.

Submissions (2):

Women's Health and Genetics/Laboratory Corporation of America, LabCorp
Classification: Uncertain significance. Last evaluated: 2025-01-14. Review status: criteria provided, single submitter. Criteria: LabCorp Variant Classification Summary - May 2015. Collection method: clinical testing. Allele origin: germline.
Comment: Variant summary: DEPDC5 c.1439C>T (p.Thr480Ile) results in a non-conservative amino acid change in the encoded protein sequence. Three of five in-silico tools predict a benign effect of the variant on protein function. The variant was absent in 249400 control chromosomes. The available data on variant occurrences in the general population are insufficient to allow any conclusion about variant significance. To our knowledge, no occurrence of c.1439C>T in individuals affected with Epilepsy, Familial Focal, With Variable Foci 1 and no experimental evidence demonstrating its impact on protein function have been reported. ClinVar contains an entry for this variant (Variation ID: 2765320). Based on the evidence outlined above, the variant was classified as uncertain significance.

Labcorp Genetics (formerly Invitae), Labcorp
Classification: Uncertain significance for Familial focal epilepsy with variable foci. Last evaluated: 2023-06-04. Review status: criteria provided, single submitter. Criteria: Invitae Variant Classification Sherloc (09022015). Collection method: clinical testing. Allele origin: germline.
Comment: This variant is not present in population databases (gnomAD no frequency). This sequence change replaces threonine, which is neutral and polar, with isoleucine, which is neutral and non-polar, at codon 480 of the DEPDC5 protein (p.Thr480Ile). This variant has not been reported in the literature in individuals affected with DEPDC5-related conditions. In summary, the available evidence is currently insufficient to determine the role of this variant in disease. Therefore, it has been classified as a Variant of Uncertain Significance. Experimental studies and prediction algorithms are not available or were not evaluated, and the functional significance of this variant is currently unknown.